The following is an entry in ClinVar:

ClinVar aggregate classification (germline): Uncertain significance (1 of 4 stars; one submission).

Conditions:
Marfan syndrome (MFS). Also called: Marfan's syndrome; Marfan syndrome, classic; MARFAN SYNDROME, TYPE I; Marfan syndrome type 1; FBN1-Related Marfan Syndrome. Identifiers: Orphanet 284963, Orphanet 558, MedGen C0024796, MONDO:0007947, OMIM 154700.
Familial thoracic aortic aneurysm and aortic dissection (TAAD). Also called: Thoracic aortic aneurysms and dissections. Identifiers: Orphanet 91387, MedGen C4707243, MONDO:0019625.

Submission:

Labcorp Genetics (formerly Invitae), Labcorp
Classification: Uncertain significance for Marfan syndrome; Familial thoracic aortic aneurysm and aortic dissection. Last evaluated: 2023-02-08. Review status: criteria provided, single submitter. Criteria: Invitae Variant Classification Sherloc (09022015). Collection method: clinical testing. Allele origin: germline.
Comment: In summary, the available evidence is currently insufficient to determine the role of this variant in disease. Therefore, it has been classified as a Variant of Uncertain Significance. Advanced modeling of protein sequence and biophysical properties (such as structural, functional, and spatial information, amino acid conservation, physicochemical variation, residue mobility, and thermodynamic stability) performed at Invitae indicates that this missense variant is expected to disrupt FBN1 protein function. ClinVar contains an entry for this variant (Variation ID: 1721383). This variant has not been reported in the literature in individuals affected with FBN1-related conditions. This variant is not present in population databases (gnomAD no frequency). This sequence change replaces glycine, which is neutral and non-polar, with cysteine, which is neutral and slightly polar, at codon 1787 of the FBN1 protein (p.Gly1787Cys).

NM_000138.5(FBN1):c.5359G>T (p.Gly1787Cys)

Gene: FBN1 (fibrillin 1; minus strand). Cytogenetic location: 15q21.1.
Variant type: single nucleotide variant.
Coding change: c.5359G>T on transcript NM_000138.5 (MANE Select); coding-DNA position 5359, G replaced by T.
Protein change: p.Gly1787Cys; replaces glycine 1787 with cysteine.
Molecular consequence: missense variant.
Genome position (GRCh38, 1-based): chr15:48,456,700, C>A on the plus strand (G>T on the coding strand, the complement: FBN1 is on the minus strand). VCF-style: chr15-48456700-C-A. GRCh37 (hg19) VCF-style: chr15-48748897-C-A.
Other names: c.5359G>T, p.Gly1787Cys (NM_001406716.1); short protein forms G1787C.
Identifiers: ClinVar variation 1721383 (VCV001721383.5), dbSNP rs2505479048, ClinGen allele CA392346089.